The following is an entry in ClinVar:

NM_000038.6(APC):c.4249A>C (p.Ile1417Leu)

Gene: APC (APC regulator of Wnt signaling pathway; plus strand). Cytogenetic location: 5q22.2.
Variant type: single nucleotide variant.
Coding change: c.4249A>C on transcript NM_000038.6 (MANE Select); coding-DNA position 4249, A replaced by C.
Protein change: p.Ile1417Leu; replaces isoleucine 1417 with leucine.
Molecular consequence: missense variant.
Genome position (GRCh38, 1-based): chr5:112,839,843, A>C. VCF-style: chr5-112839843-A-C. GRCh37 (hg19) VCF-style: chr5-112175540-A-C.
Other names: c.4249A>C, p.Ile1417Leu (NM_001127510.3, NM_001354895.2); c.4195A>C, p.Ile1399Leu (NM_001127511.3); c.4303A>C, p.Ile1435Leu (NM_001354896.2); c.4279A>C, p.Ile1427Leu (NM_001354897.2); c.4174A>C, p.Ile1392Leu (NM_001354898.2); c.4165A>C, p.Ile1389Leu (NM_001354899.2); c.4126A>C, p.Ile1376Leu (NM_001354900.2); c.4072A>C, p.Ile1358Leu (NM_001354901.2); and 5 more; short protein forms I1417L, I1399L, I1326L, I1376L, I1291L, I1316L, I1358L, I1392L.
Identifiers: ClinVar variation 135701 (VCV000135701.39), dbSNP rs200166878, ClinGen allele CA009397.

ClinVar aggregate classification (germline): Conflicting classifications of pathogenicity. Review status: criteria provided, conflicting classifications (1 of 4 stars). 10 submissions from 10 submitters: Uncertain significance (8); Benign (1); Likely benign (1). Last evaluated 2026-09-10.

Conditions:
APC-related disorder. Also called: APC-related condition.
Classic or attenuated familial adenomatous polyposis. Identifiers: MedGen CN372698, MONDO:0021057.
Hereditary cancer-predisposing syndrome. Also called: Neoplastic Syndromes, Hereditary; Tumor predisposition; Hereditary Cancer Syndrome; Hereditary neoplastic syndrome. Identifiers: Orphanet 140162, MedGen C0027672, MeSH D009386, MONDO:0015356.
Familial adenomatous polyposis 1 (FAP1). Also called: FAMILIAL ADENOMATOUS POLYPOSIS 1, ATTENUATED; POLYPOSIS, ADENOMATOUS INTESTINAL. Identifiers: MedGen C2713442, MONDO:0021056, OMIM 175100. Disease mechanism: loss of function.

Allele frequency attached by ClinVar (database versions not stated): ExAC 0.00002; gnomAD 0.00005 and 0.00006; gnomAD exomes 0.00005; TOPMed 0.00006; ESP Exome Variant Server 0.00008.
gnomAD v4.1: 66 of 1,613,998 alleles (0.0041%); highest among the groups gnomAD compares: Admixed American, 0.027%; no homozygotes.

Submissions (10):

PreventionGenetics, part of Exact Sciences
Classification: Uncertain significance for APC-related condition. Last evaluated: 2026-09-10. Review status: criteria provided, single submitter. Criteria: ACMG Guidelines, 2015. Collection method: clinical testing. Allele origin: germline.
Comment: The APC c.4249A>C variant is predicted to result in the amino acid substitution p.Ile1417Leu. This variant has been reported in an individual with breast cancer and melanoma (Table S4, Bhai et al. 2021. PubMed ID: 34326862). This variant is reported in 0.028% of alleles in individuals of Latino descent in gnomAD and has conflicting interpretations regarding its pathogenicity in ClinVar, ranging from likely benign to uncertain (Variation ID: 135701). At this time, the clinical significance of this variant is uncertain due to the absence of conclusive functional and genetic evidence.

Women's Health and Genetics/Laboratory Corporation of America, LabCorp
Classification: Uncertain significance. Last evaluated: 2026-02-16. Review status: criteria provided, single submitter. Criteria: LabCorp Variant Classification Summary - May 2015. Collection method: clinical testing. Allele origin: germline.
Comment: Variant summary: APC c.4249A>C (p.Ile1417Leu) results in a conservative amino acid change in the encoded protein sequence. Algorithms developed to predict the effect of missense changes on protein structure and function are either unavailable or do not agree on the potential impact of this missense change. The variant allele was found at a frequency of 5.2e-05 in 250950 control chromosomes, predominantly at a frequency of 0.00029 within the Latino subpopulation in the gnomAD database. The observed variant frequency within Latino control individuals in the gnomAD database exceeds the estimated maximal expected allele frequency for disease-causing variants in APC, suggesting that the variant is a benign polymorphism found primarily in populations of Latino origin. c.4249A>C has been observed in at least one individual with breast cancer and melanoma (example: Bhai_2021). This report does not provide unequivocal conclusions about association of the variant with Familial Adenomatous Polyposis. To our knowledge, no experimental evidence demonstrating an impact on protein function has been reported. The following publications have been ascertained in the context of this evaluation (PMID: 30981987, 34326862). ClinVar contains an entry for this variant (Variation ID: 135701). Based on the evidence outlined above, the variant was classified as VUS-possibly benign.

Labcorp Genetics (formerly Invitae), Labcorp
Classification: Benign for Familial adenomatous polyposis 1. Last evaluated: 2026-01-31. Review status: criteria provided, single submitter. Criteria: Invitae Variant Classification Sherloc (09022015). Collection method: clinical testing. Allele origin: germline.

Quest Diagnostics Nichols Institute San Juan Capistrano
Classification: Uncertain significance. Last evaluated: 2025-05-13. Review status: criteria provided, single submitter. Criteria: Quest Diagnostics criteria. Collection method: clinical testing. Allele origin: unknown.
Comment: The APC c.4249A>C (p.Ile1417Leu) variant has been reported in the published literature in an individual with breast cancer and melanoma (PMID: 34326862 (2021)). The frequency of this variant in the general population (Genome Aggregation Database) is higher than would generally be expected for pathogenic variants in this gene. Analysis of this variant using bioinformatics tools for the prediction of the effect of amino acid changes on protein structure and function yielded conflicting predictions that this variant is deleterious or benign. Based on the available information, we are unable to determine the clinical significance of this variant.

All of Us Research Program, National Institutes of Health
Classification: Uncertain significance for Classic or attenuated familial adenomatous polyposis. Last evaluated: 2024-09-23. Review status: criteria provided, single submitter. Criteria: ACMG Guidelines, 2015. Collection method: clinical testing. Allele origin: germline. Inheritance: Autosomal dominant inheritance. Observed: 16 variant alleles, 16 heterozygotes.
Comment: This missense variant replaces isoleucine with leucine at codon 1417 of the APC protein. Computational prediction suggests that this variant may not impact protein structure and function (internally defined REVEL score threshold <= 0.5, PMID: 27666373). To our knowledge, functional studies have not been reported for this variant. This variant has not been reported in individuals affected with APC-related disorders in the literature. This variant has been identified in 15/282336 chromosomes in the general population by the Genome Aggregation Database (gnomAD). The available evidence is insufficient to determine the role of this variant in disease conclusively. Therefore, this variant is classified as a Variant of Uncertain Significance.

This study involves interpretation of variants in research participants for the purpose of population health screening. Participant phenotype was not available at the time of variant classification. Additional details can be found in publication PMID: 35346344, PMCID: PMC8962531

GeneDx
Classification: Uncertain significance. Last evaluated: 2024-09-10. Review status: criteria provided, single submitter. Criteria: GeneDx Variant Classification Process June 2021. Collection method: clinical testing. Allele origin: germline. Affected: yes.
Comment: In silico analysis indicates that this missense variant does not alter protein structure/function; Has not been previously published as pathogenic or benign to our knowledge; This variant is associated with the following publications: (PMID: 21157497, 30981987, 30171174, 18199528)

Color Diagnostics, LLC DBA Color Health
Classification: Uncertain significance for Hereditary cancer-predisposing syndrome. Last evaluated: 2023-10-18. Review status: criteria provided, single submitter. Criteria: ACMG Guidelines, 2015. Collection method: clinical testing. Allele origin: germline.
Comment: This missense variant replaces isoleucine with leucine at codon 1417 of the APC protein. Computational prediction suggests that this variant may not impact protein structure and function (internally defined REVEL score threshold <= 0.5, PMID: 27666373). To our knowledge, functional studies have not been reported for this variant. This variant has not been reported in individuals affected with APC-related disorders in the literature. This variant has been identified in 15/282336 chromosomes in the general population by the Genome Aggregation Database (gnomAD). The available evidence is insufficient to determine the role of this variant in disease conclusively. Therefore, this variant is classified as a Variant of Uncertain Significance.

Institute for Clinical Genetics, University Hospital TU Dresden, University Hospital TU Dresden
Classification: Uncertain significance. Last evaluated: 2021-08-10. Review status: criteria provided, single submitter. Criteria: ACMG Guidelines, 2015. Collection method: clinical testing. Allele origin: germline.
Comment: PP3

Ambry Genetics
Classification: Likely benign for Hereditary cancer-predisposing syndrome. Last evaluated: 2020-11-24. Review status: criteria provided, single submitter. Criteria: Ambry Variant Classification Scheme 2023. Collection method: clinical testing. Allele origin: germline.

Mendelics
Classification: Uncertain significance for Familial adenomatous polyposis 1. Last evaluated: 2019-05-28. Review status: criteria provided, single submitter. Criteria: Mendelics Assertion Criteria 2017. Collection method: clinical testing. Allele origin: unknown.

Literature cited by the submitters: PubMed 30981987 (cited by Women's Health and Genetics/Laboratory Corporation of America, LabCorp and Quest Diagnostics Nichols Institute San Juan Capistrano); PubMed 34326862 (cited by Women's Health and Genetics/Laboratory Corporation of America, LabCorp and Quest Diagnostics Nichols Institute San Juan Capistrano); PubMed 21157497 (cited by Quest Diagnostics Nichols Institute San Juan Capistrano); PubMed 34921310 (cited by Quest Diagnostics Nichols Institute San Juan Capistrano); PubMed 35966080 (cited by Quest Diagnostics Nichols Institute San Juan Capistrano); PubMed 39042403 (cited by Quest Diagnostics Nichols Institute San Juan Capistrano); PubMed 30171174 (cited by Quest Diagnostics Nichols Institute San Juan Capistrano).